The following is an entry in ClinVar:

NM_001365951.3(KIF1B):c.2115+7085G>A

Gene: KIF1B (kinesin family member 1B; plus strand). Cytogenetic location: 1p36.22.
Variant type: single nucleotide variant.
Coding change: c.2115+7085G>A on transcript NM_001365951.3 (MANE Select); 7085 bases into the intron after coding-DNA position 2115, G replaced by A.
Molecular consequence: intron variant. On other transcripts: nonsense (2).
Genome position (GRCh38, 1-based): chr1:10,304,331, G>A. VCF-style: chr1-10304331-G-A. GRCh37 (hg19) VCF-style: chr1-10364389-G-A.
Other names: c.3146G>A, p.Trp1049Ter (NM_001365953.1, NM_183416.4); c.1977+7085G>A (NM_015074.3); c.2115+7085G>A (NM_001365952.1); short protein forms W1049*.
Identifiers: ClinVar variation 5040581 (VCV005040581.1).
Genomic context (GRCh38, chr1:10,304,331, plus strand): 5'-ATCACATCCAAGTTAGCAAGCAGCACATTAATAATCAGCAACAGCCACCTCAACTACGTT[G>A]GAGAAGCAATTCTCTCAATAATGGCCAGCCGAAAAGTACGCGCTGCCAGGCATCTGCCTC-3'

ClinVar aggregate classification (germline): Uncertain significance (1 of 4 stars; one submission).

Submission:

CeGaT Center for Human Genetics Tuebingen
Classification: Uncertain significance. Last evaluated: 2026-08-01. Review status: criteria provided, single submitter. Criteria: CeGaT Center For Human Genetics Tuebingen Variant Classification Criteria Version 2. Collection method: clinical testing. Allele origin: germline. Affected: yes. Observed: 1 variant allele.
Comment: KIF1B: PM2